The following is an entry in ClinVar:

ClinVar aggregate classification (germline): Uncertain significance (1 of 4 stars; one submission).

Allele frequency attached by ClinVar (database versions not stated): gnomAD exomes below 0.00001; gnomAD 0.00001; TOPMed 0.00001.
gnomAD v4.1: 2 of 1,614,042 alleles (0.00012%); highest among the groups gnomAD compares: African/African-American, 0.0027%; no homozygotes.

Submission:

Labcorp Genetics (formerly Invitae), Labcorp
Classification: Uncertain significance. Last evaluated: 2021-08-27. Review status: criteria provided, single submitter. Criteria: Invitae Variant Classification Sherloc (09022015). Collection method: clinical testing. Allele origin: germline.
Comment: This variant has not been reported in the literature in individuals affected with TAOK2-related conditions. This variant is not present in population databases (ExAC no frequency). This sequence change replaces isoleucine with asparagine at codon 175 of the TAOK2 protein (p.Ile175Asn). The isoleucine residue is highly conserved and there is a large physicochemical difference between isoleucine and asparagine. In summary, the available evidence is currently insufficient to determine the role of this variant in disease. Therefore, it has been classified as a Variant of Uncertain Significance. Algorithms developed to predict the effect of missense changes on protein structure and function are either unavailable or do not agree on the potential impact of this missense change (SIFT: "Deleterious"; PolyPhen-2: "Benign"; Align-GVGD: "Class C0").

NM_016151.4(TAOK2):c.524T>A (p.Ile175Asn)

Gene: TAOK2 (TAO kinase 2; plus strand). Cytogenetic location: 16p11.2.
Variant type: single nucleotide variant.
Coding change: c.524T>A on transcript NM_016151.4 (MANE Select); coding-DNA position 524, T replaced by A.
Protein change: p.Ile175Asn; replaces isoleucine 175 with asparagine.
Molecular consequence: missense variant.
Genome position (GRCh38, 1-based): chr16:29,979,269, T>A. VCF-style: chr16-29979269-T-A. GRCh37 (hg19) VCF-style: chr16-29990590-T-A.
Other names: c.524T>A, p.Ile175Asn (NM_001252043.2, NM_004783.4); short protein forms I175N.
Identifiers: ClinVar variation 1486586 (VCV001486586.6), dbSNP rs939417987, ClinGen allele CA280431477.